The following is an entry in ClinVar:

ClinVar aggregate classification (germline): Conflicting classifications of pathogenicity. Review status: criteria provided, conflicting classifications (1 of 4 stars). 3 submissions from 3 submitters: Uncertain significance (1); Likely benign (1). 1 of the submissions does not count toward it. Last evaluated 2025-10-01.

Conditions:
Nephronophthisis 15 (NPHP15). Identifiers: Orphanet 3156, MedGen C3541853, MONDO:0013917, OMIM 614845.
CEP164-related disorder. Also called: CEP164-related condition.
Inborn genetic diseases. Identifiers: MedGen C0950123, MeSH D030342.

Allele frequency attached by ClinVar (database versions not stated): gnomAD 0.00001; gnomAD exomes 0.00001 and 0.00004; ExAC 0.00002; TOPMed 0.00002.
gnomAD v4.1: 62 of 1,613,904 alleles (0.0038%); highest among the groups gnomAD compares: Middle Eastern, 0.016%; no homozygotes.

Submissions (3):

Labcorp Genetics (formerly Invitae), Labcorp
Classification: Uncertain significance for Nephronophthisis 15. Last evaluated: 2025-10-01. Review status: criteria provided, single submitter. Criteria: Invitae Variant Classification Sherloc (09022015). Collection method: clinical testing. Allele origin: germline.
Comment: This sequence change replaces arginine, which is basic and polar, with glutamine, which is neutral and polar, at codon 576 of the CEP164 protein (p.Arg576Gln). This variant is present in population databases (rs757579833, gnomAD 0.006%). This variant has not been reported in the literature in individuals affected with CEP164-related conditions. ClinVar contains an entry for this variant (Variation ID: 1006310). An algorithm developed to predict the effect of missense changes on protein structure and function outputs the following: PolyPhen-2: "Benign". The glutamine amino acid residue is found in multiple mammalian species, which suggests that this missense change does not adversely affect protein function. In summary, the available evidence is currently insufficient to determine the role of this variant in disease. Therefore, it has been classified as a Variant of Uncertain Significance.

Ambry Genetics
Classification: Likely benign for Inborn genetic diseases. Last evaluated: 2022-05-27. Review status: criteria provided, single submitter. Criteria: Ambry Variant Classification Scheme 2023. Collection method: clinical testing. Allele origin: germline.

PreventionGenetics, part of Exact Sciences
Classification: Uncertain significance for CEP164-related condition. Last evaluated: 2024-08-06. Review status: no assertion criteria provided. Collection method: clinical testing. Allele origin: germline. Not counted in ClinVar's aggregate classification.
Comment: The CEP164 c.1727G>A variant is predicted to result in the amino acid substitution p.Arg576Gln. To our knowledge, this variant has not been reported in the literature. This variant is reported in 0.0065% of alleles in individuals of South Asian descent in gnomAD. At this time, the clinical significance of this variant is uncertain due to the absence of conclusive functional and genetic evidence.

NM_014956.5(CEP164):c.1727G>A (p.Arg576Gln)

Gene: CEP164 (centrosomal protein 164; plus strand). Cytogenetic location: 11q23.3.
Variant type: single nucleotide variant.
Coding change: c.1727G>A on transcript NM_014956.5 (MANE Select); coding-DNA position 1727, G replaced by A.
Protein change: p.Arg576Gln; replaces arginine 576 with glutamine.
Molecular consequence: missense variant.
Genome position (GRCh38, 1-based): chr11:117,387,205, G>A. VCF-style: chr11-117387205-G-A. GRCh37 (hg19) VCF-style: chr11-117257921-G-A.
Other names: c.1736G>A, p.Arg579Gln (NM_001271933.2); c.1727G>A (NM_014956.4); short protein forms R576Q, R579Q.
Identifiers: ClinVar variation 1006310 (VCV001006310.6), dbSNP rs757579833, ClinGen allele CA6294852.